The following is an entry in ClinVar:

NM_025262.4(LY6G5C):c.123T>C (p.Gly41=)

Gene: LY6G5C (lymphocyte antigen 6 family member G5C; minus strand). Cytogenetic location: 6p21.33.
Variant type: single nucleotide variant.
Coding change: c.123T>C on transcript NM_025262.4 (MANE Select); coding-DNA position 123, T replaced by C.
Protein change: p.Gly41=; no amino-acid change (glycine 41 retained).
Molecular consequence: synonymous variant.
Genome position (GRCh38, 1-based): chr6:31,679,267, A>G on the plus strand (T>C on the coding strand, the complement: LY6G5C is on the minus strand). VCF-style: chr6-31679267-A-G. GRCh37 (hg19) VCF-style: chr6-31647044-A-G.
Identifiers: ClinVar variation 2656414 (VCV002656414.24), dbSNP rs143778717, ClinGen allele CA3718941.

ClinVar aggregate classification (germline): Likely benign (1 of 4 stars; one submission).

Allele frequency attached by ClinVar (database versions not stated): TOPMed 0.00020; gnomAD 0.00027; gnomAD exomes 0.00030; 1000 Genomes Project 0.00040; ExAC 0.00040; 1000 Genomes Project 30x 0.00047; ESP Exome Variant Server 0.00047.
gnomAD v4.1: 492 of 1,612,890 alleles (0.031%); highest among the groups gnomAD compares: Middle Eastern, 0.46%; 2 homozygotes.

Submission:

CeGaT Center for Human Genetics Tuebingen
Classification: Likely benign. Last evaluated: 2022-04-01. Review status: criteria provided, single submitter. Criteria: CeGaT Center For Human Genetics Tuebingen Variant Classification Criteria Version 2. Collection method: clinical testing. Allele origin: germline. Affected: yes. Observed: 1 variant allele.
Comment: LY6G5C: BP4, BP7